The following is an entry in ClinVar:

ClinVar aggregate classification (germline): Uncertain significance (1 of 4 stars; one submission).

Submission:

Labcorp Genetics (formerly Invitae), Labcorp
Classification: Uncertain significance. Last evaluated: 2023-07-12. Review status: criteria provided, single submitter. Criteria: Invitae Variant Classification Sherloc (09022015). Collection method: clinical testing. Allele origin: germline.
Comment: This sequence change replaces aspartic acid, which is acidic and polar, with asparagine, which is neutral and polar, at codon 33 of the ZCCHC8 protein (p.Asp33Asn). In summary, the available evidence is currently insufficient to determine the role of this variant in disease. Therefore, it has been classified as a Variant of Uncertain Significance. Experimental studies and prediction algorithms are not available or were not evaluated, and the functional significance of this variant is currently unknown. This variant has not been reported in the literature in individuals affected with ZCCHC8-related conditions. This variant is not present in population databases (gnomAD no frequency).

NM_017612.5(ZCCHC8):c.97G>A (p.Asp33Asn)

Gene: ZCCHC8 (zinc finger CCHC-type containing 8; minus strand). Cytogenetic location: 12q24.31.
Variant type: single nucleotide variant.
Coding change: c.97G>A on transcript NM_017612.5 (MANE Select); coding-DNA position 97, G replaced by A.
Protein change: p.Asp33Asn; replaces aspartic acid 33 with asparagine.
Molecular consequence: missense variant. On other transcripts: 5 prime UTR variant (3).
Genome position (GRCh38, 1-based): chr12:122,500,744, C>T on the plus strand (G>A on the coding strand, the complement: ZCCHC8 is on the minus strand). VCF-style: chr12-122500744-C-T. GRCh37 (hg19) VCF-style: chr12-122985291-C-T.
Other names: c.97G>A, p.Asp33Asn (NM_001350935.2); c.-827G>A (NM_001350936.2); c.-448G>A (NM_001350937.2); c.-342G>A (NM_001350938.2); short protein forms D33N.
Identifiers: ClinVar variation 2995092 (VCV002995092.3), dbSNP rs1566311334, ClinGen allele CA482210759.